The following is an entry in ClinVar:

ClinVar aggregate classification (germline): Conflicting classifications of pathogenicity. Review status: criteria provided, conflicting classifications (1 of 4 stars). 3 submissions from 3 submitters: Uncertain significance (1); Likely benign (1). 1 of the submissions does not count toward it. Last evaluated 2026-08-20.

Conditions:
ALG9-related disorder. Also called: ALG9-related condition.
ALG9 congenital disorder of glycosylation (CDG1L). Also called: CONGENITAL DISORDER OF GLYCOSYLATION, TYPE Il; ALG9-CDG; CDG Il. Identifiers: Orphanet 79328, MedGen C2931006, MONDO:0012117, OMIM 608776.

Allele frequency attached by ClinVar (database versions not stated): gnomAD exomes 0.00012 and 0.00031; 1000 Genomes Project 0.00100; ESP Exome Variant Server 0.00125; ExAC 0.00032; 1000 Genomes Project 30x 0.00109; gnomAD 0.00117 and 0.00128; TOPMed 0.00132.
gnomAD v4.1: 358 of 1,614,128 alleles (0.022%); highest among the groups gnomAD compares: African/African-American, 0.44%; 1 homozygote.

Submissions (3):

GeneDx
Classification: Uncertain significance. Last evaluated: 2026-08-20. Review status: criteria provided, single submitter. Criteria: GeneDx Variant Classification Process June 2021. Collection method: clinical testing. Allele origin: germline.
Comment: In silico analysis supports that this missense variant has a deleterious effect on protein structure/function; Has not been previously published as pathogenic or benign to our knowledge

Labcorp Genetics (formerly Invitae), Labcorp
Classification: Likely benign for ALG9 congenital disorder of glycosylation. Last evaluated: 2026-01-17. Review status: criteria provided, single submitter. Criteria: Invitae Variant Classification Sherloc (09022015). Collection method: clinical testing. Allele origin: germline.

PreventionGenetics, part of Exact Sciences
Classification: Likely benign for ALG9-related condition. Last evaluated: 2023-11-27. Review status: no assertion criteria provided. Collection method: clinical testing. Allele origin: germline. Not counted in ClinVar's aggregate classification.
Comment: This variant is classified as likely benign based on ACMG/AMP sequence variant interpretation guidelines (Richards et al. 2015 PMID: 25741868, with internal and published modifications).

NM_024740.2(ALG9):c.1792T>C (p.Tyr598His)

Gene: ALG9 (ALG9 alpha-1,2-mannosyltransferase; minus strand). Cytogenetic location: 11q23.1.
Variant type: single nucleotide variant.
Coding change: c.1792T>C on transcript NM_024740.2 (MANE Select); coding-DNA position 1792, T replaced by C.
Protein change: p.Tyr598His; replaces tyrosine 598 with histidine.
Molecular consequence: missense variant. On other transcripts: 3 prime UTR variant (2), non-coding transcript variant (1).
Genome position (GRCh38, 1-based): chr11:111,786,462, A>G on the plus strand (T>C on the coding strand, the complement: ALG9 is on the minus strand). VCF-style: chr11-111786462-A-G. GRCh37 (hg19) VCF-style: chr11-111657186-A-G.
Other names: c.1771T>C, p.Tyr591His (NM_001077690.1, NM_001352417.1); c.1279T>C, p.Tyr427His (NM_001077691.2, NM_001352413.1, NM_001352414.2 and 1 more transcripts); c.1258T>C, p.Tyr420His (NM_001077692.2, NM_001352409.1, NM_001352410.1 and 4 more transcripts); c.1648T>C, p.Tyr550His (NM_001352418.1); c.*64T>C (NM_001352420.2); c.*58T>C (NM_001352421.2); c.1183T>C, p.Tyr395His (NM_001352422.2); c.1135T>C, p.Tyr379His (NM_001352423.2); short protein forms Y550H, Y591H, Y598H, Y379H, Y395H, Y420H, Y427H.
Identifiers: ClinVar variation 704070 (VCV000704070.17), dbSNP rs201194863, ClinGen allele CA6274298.
Genomic context (GRCh38, chr11:111,786,462, plus strand): 5'-CTCCACTTTTCTTCCTGATTTGCTTTGCTTTCCGGGGTTTGAGGATGGTGTAGTTTACGT[A>G]CACTGTATACTGATCTGACAGGAAGGGGACATAGAATGCCCGCAGCAGCTTTGAAGATCT-3'
Protein context (NP_079016.2, residues 588-608): VPFLSDQYTV[Tyr598His]VNYTILKPRK